The following is an entry in ClinVar:

NM_005502.4(ABCA1):c.813+17C>T

Gene: ABCA1 (ATP binding cassette subfamily A member 1; minus strand). Cytogenetic location: 9q31.1.
Variant type: single nucleotide variant.
Coding change: c.813+17C>T on transcript NM_005502.4 (MANE Select); 17 bases into the intron after coding-DNA position 813, C replaced by T.
Molecular consequence: intron variant.
Genome position (GRCh38, 1-based): chr9:104,845,460, G>A on the plus strand (C>T on the coding strand, the complement: ABCA1 is on the minus strand). VCF-style: chr9-104845460-G-A. GRCh37 (hg19) VCF-style: chr9-107607741-G-A.
Identifiers: ClinVar variation 918149 (VCV000918149.12), dbSNP rs116728780, ClinGen allele CA5169204.

ClinVar aggregate classification (germline): Benign. Review status: criteria provided, multiple submitters, no conflicts (2 of 4 stars). 4 submissions from 4 submitters: Benign (4). Last evaluated 2026-02-02.

Allele frequency attached by ClinVar (database versions not stated): gnomAD exomes 0.00148 and 0.00427; ExAC 0.00567; gnomAD 0.01623 and 0.01740; ESP Exome Variant Server 0.01807; TOPMed 0.01812; 1000 Genomes Project 30x 0.02186; 1000 Genomes Project 0.02196.
gnomAD v4.1: 4,745 of 1,594,876 alleles (0.3%); highest among the groups gnomAD compares: African/African-American, 5.6%; 99 homozygotes.

Submissions (4):

Labcorp Genetics (formerly Invitae), Labcorp
Classification: Benign. Last evaluated: 2026-02-02. Review status: criteria provided, single submitter. Criteria: Invitae Variant Classification Sherloc (09022015). Collection method: clinical testing. Allele origin: germline.

Women's Health and Genetics/Laboratory Corporation of America, LabCorp
Classification: Benign. Last evaluated: 2020-03-23. Review status: criteria provided, single submitter. Criteria: LabCorp Variant Classification Summary - May 2015. Collection method: clinical testing. Allele origin: germline.
Comment: Variant summary: ABCA1 c.813+17C>T alters a non-conserved nucleotide located close to a canonical splice site and therefore could affect mRNA splicing, leading to a significantly altered protein sequence. 4/4 computational tools predict no significant impact on normal splicing. However, these predictions have yet to be confirmed by functional studies. The variant allele was found at a frequency of 0.0043 in 250452 control chromosomes, predominantly at a frequency of 0.058 within the African or African-American subpopulation in the gnomAD database, including 29 homozygotes. The observed variant frequency within African or African-American control individuals in the gnomAD database is significantly higher than the estimated maximal expected allele frequency for a pathogenic variant in ABCA1 causing Early Onset Coronary Artery Disease phenotype (1.3e-05), strongly suggesting that the variant is a benign polymorphism found primarily in populations of African or African-American origin. To our knowledge, no occurrence of c.813+17C>T in individuals affected with Early Onset Coronary Artery Disease and no experimental evidence demonstrating its impact on protein function have been reported. No clinical diagnostic laboratories have submitted clinical-significance assessments for this variant to ClinVar after 2014. Based on the evidence outlined above, the variant was classified as benign.

GeneDx
Classification: Benign. Last evaluated: 2019-04-21. Review status: criteria provided, single submitter. Criteria: GeneDx Variant Classification Process June 2021. Collection method: clinical testing. Allele origin: germline. Affected: yes.

Breakthrough Genomics
Classification: Benign. Review status: criteria provided, single submitter. Criteria: ACMG Guidelines, 2015. Collection method: not provided. Allele origin: germline. Inheritance: Autosomal recessive inheritance. Affected: yes.